The following is an entry in ClinVar:

NM_020166.5(MCCC1):c.1864del (p.Ser622fs)

Gene: MCCC1 (methylcrotonyl-CoA carboxylase subunit 1; minus strand). Cytogenetic location: 3q27.1.
Variant type: Deletion.
Coding change: c.1864del on transcript NM_020166.5 (MANE Select); coding-DNA position 1864, one base deleted (T; older notation c.1864delT).
Protein change: p.Ser622fs; shifts the reading frame from serine 622.
Molecular consequence: frameshift variant. On other transcripts: non-coding transcript variant (2).
Genome position (GRCh38, 1-based): chr3:183,022,422, A deleted on the plus strand (T on the coding strand, the reverse complement: MCCC1 is on the minus strand); the first of 4 consecutive A bases (chr3:183,022,422-183,022,425); deleting any one gives the same sequence. VCF-style (leftmost placement, unchanged base first): chr3-183022421-GA-G. GRCh37 (hg19) VCF-style: chr3-182740209-GA-G.
Other names: c.1864delT (NM_020166.4, NM_020166.5); c.1513del, p.Ser505fs (NM_001293273.2); c.1537del, p.Ser513fs (NM_001363880.1); short protein forms S622fs, S505fs, S513fs.
Identifiers: ClinVar variation 940880 (VCV000940880.11), dbSNP rs1712230544, ClinGen allele CA913102448.

ClinVar aggregate classification (germline): Pathogenic/Likely pathogenic. Review status: criteria provided, multiple submitters, no conflicts (2 of 4 stars). 4 submissions from 4 submitters: Pathogenic (1); Likely pathogenic (3). Last evaluated 2025-08-31.

Conditions:
3-methylcrotonyl-CoA carboxylase 1 deficiency (MCC1D). Also called: MCCD TYPE 1; METHYLCROTONYLGLYCINURIA TYPE I; MCC 1 deficiency; 3 Alpha methylcrotonylglycinuria 1. Identifiers: Orphanet 6, MedGen CN028786, MONDO:0008861, OMIM 210200.

Submissions (4):

Natera, Inc.
Classification: Likely pathogenic for 3-methylcrotonyl-CoA carboxylase 1 deficiency. Last evaluated: 2025-08-31. Review status: criteria provided, single submitter. Criteria: Natera Variant Classification Schema (03/2026). Collection method: clinical testing. Allele origin: germline.
Comment: The c.1864delT variant in MCCC1 is a frameshift variant predicted to shift the reading frame beginning at codon 622 and leads to a stop codon 19 codons downstream. This variant is expected to result in nonsense mediated decay, truncation, or a dysfunctional protein product. This variant is rare in the general population with a frequency below the threshold expected for the associated phenotype(s). Given the available evidence, this variant is classified as Likely Pathogenic.

Labcorp Genetics (formerly Invitae), Labcorp
Classification: Pathogenic for 3-methylcrotonyl-CoA carboxylase 1 deficiency. Last evaluated: 2025-08-11. Review status: criteria provided, single submitter. Criteria: Invitae Variant Classification Sherloc (09022015). Collection method: clinical testing. Allele origin: germline.
Comment: This sequence change creates a premature translational stop signal (p.Ser622Profs*19) in the MCCC1 gene. It is expected to result in an absent or disrupted protein product. Loss-of-function variants in MCCC1 are known to be pathogenic (PMID: 11181649, 15359379, 22642865). This variant is not present in population databases (gnomAD no frequency). This variant has not been reported in the literature in individuals affected with MCCC1-related conditions. ClinVar contains an entry for this variant (Variation ID: 940880). For these reasons, this variant has been classified as Pathogenic.

Baylor Genetics
Classification: Likely pathogenic for 3-methylcrotonyl-CoA carboxylase 1 deficiency. Last evaluated: 2024-03-06. Review status: criteria provided, single submitter. Criteria: ACMG Guidelines, 2015. Collection method: clinical testing. Allele origin: unknown.

Molecular Genetics, Royal Melbourne Hospital
Classification: Likely pathogenic for 3-methylcrotonyl-CoA carboxylase 1 deficiency. Last evaluated: 2021-09-03. Review status: criteria provided, single submitter. Criteria: ACMG Guidelines, 2015. Collection method: clinical testing. Allele origin: germline.
Comment: This sequence change in MCCC1 is a frameshift variant predicted to cause a premature stop codon (p.(Ser622Profs*19)) in biologically-relevant-exon 17/19 leading to nonsense mediated decay in a gene in which loss-of-function is an established disease mechanism (ClinGen). This variant is absent from gnomAD v2.1 and v3.1. The variant has been classified as pathogenic (ClinVar ID: 940880). To our knowledge, this variant has not been reported in the literature in any individuals with methylcrotonyl-CoA carboxylase deficiency. Based on the classification scheme RMH Modified ACMG Guidelines v1.4.0, this variant is classified as LIKELY PATHOGENIC. Following criteria are met: PVS1, PM2_Supporting.

Literature cited by the submitters: PubMed 11181649 (cited by Labcorp Genetics (formerly Invitae), Labcorp); PubMed 15359379 (cited by Labcorp Genetics (formerly Invitae), Labcorp); PubMed 22642865 (cited by Labcorp Genetics (formerly Invitae), Labcorp).